The following is an entry in ClinVar:

ClinVar aggregate classification (germline): Conflicting classifications of pathogenicity. Review status: criteria provided, conflicting classifications (1 of 4 stars). 3 submissions from 3 submitters: Uncertain significance (2); Likely benign (1). Last evaluated 2024-11-06.

Conditions:
Familial hemophagocytic lymphohistiocytosis 3 (FHL3). Also called: UNC13D-Related Familial Hemophagocytic Lymphohistiocytosis (UNC13D-fHLH). Identifiers: Orphanet 540, MedGen C1837174, MONDO:0012146, OMIM 608898.

Allele frequency attached by ClinVar (database versions not stated): ExAC below 0.00001; TOPMed 0.00002; gnomAD 0.00003 and 0.00004; gnomAD exomes 0.00004.
gnomAD v4.1: 55 of 1,565,552 alleles (0.0035%); highest among the groups gnomAD compares: Admixed American, 0.0057%; no homozygotes.

Submissions (3):

Blueprint Genetics
Classification: Likely benign. Last evaluated: 2024-11-06. Review status: criteria provided, single submitter. Criteria: ACMG Guidelines, 2015. Collection method: clinical testing. Allele origin: germline.

Labcorp Genetics (formerly Invitae), Labcorp
Classification: Uncertain significance for Familial hemophagocytic lymphohistiocytosis 3. Last evaluated: 2022-08-10. Review status: criteria provided, single submitter. Criteria: Invitae Variant Classification Sherloc (09022015). Collection method: clinical testing. Allele origin: germline.
Comment: This sequence change replaces alanine, which is neutral and non-polar, with threonine, which is neutral and polar, at codon 717 of the UNC13D protein (p.Ala717Thr). This variant is present in population databases (rs771145468, gnomAD 0.01%). This variant has not been reported in the literature in individuals affected with UNC13D-related conditions. ClinVar contains an entry for this variant (Variation ID: 891452). Algorithms developed to predict the effect of missense changes on protein structure and function output the following: SIFT: "Not Available"; PolyPhen-2: "Benign"; Align-GVGD: "Not Available". The threonine amino acid residue is found in multiple mammalian species, which suggests that this missense change does not adversely affect protein function. In summary, the available evidence is currently insufficient to determine the role of this variant in disease. Therefore, it has been classified as a Variant of Uncertain Significance.

Illumina Laboratory Services, Illumina
Classification: Uncertain significance for Familial hemophagocytic lymphohistiocytosis 3. Last evaluated: 2017-04-27. Review status: criteria provided, single submitter. Criteria: ICSL Variant Classification Criteria 13 December 2019. Collection method: clinical testing. Allele origin: germline.

NM_199242.3(UNC13D):c.2149G>A (p.Ala717Thr)

Gene: UNC13D (unc-13 homolog D; minus strand). Cytogenetic location: 17q25.1.
Variant type: single nucleotide variant.
Coding change: c.2149G>A on transcript NM_199242.3 (MANE Select); coding-DNA position 2149, G replaced by A.
Protein change: p.Ala717Thr; replaces alanine 717 with threonine.
Molecular consequence: missense variant.
Genome position (GRCh38, 1-based): chr17:75,834,474, C>T on the plus strand (G>A on the coding strand, the complement: UNC13D is on the minus strand). VCF-style: chr17-75834474-C-T. GRCh37 (hg19) VCF-style: chr17-73830555-C-T.
Other names: short protein forms A717T.
Identifiers: ClinVar variation 891452 (VCV000891452.7), dbSNP rs771145468, ClinGen allele CA8772653.